The following is an entry in ClinVar:

ClinVar aggregate classification (germline): Uncertain significance. Review status: criteria provided, multiple submitters, no conflicts (2 of 4 stars). 2 submissions from 2 submitters: Uncertain significance (2). Last evaluated 2024-08-22.

Conditions:
Familial thoracic aortic aneurysm and aortic dissection (TAAD). Also called: Thoracic aortic aneurysms and dissections. Identifiers: Orphanet 91387, MedGen C4707243, MONDO:0019625.

Submissions (2):

GeneDx
Classification: Uncertain significance. Last evaluated: 2024-08-22. Review status: criteria provided, single submitter. Criteria: GeneDx Variant Classification Process June 2021. Collection method: clinical testing. Allele origin: germline. Affected: yes.
Comment: Has not been previously published as pathogenic or benign to our knowledge; Not observed at significant frequency in large population cohorts (gnomAD); In silico analysis supports that this missense variant has a deleterious effect on protein structure/function

Ambry Genetics
Classification: Uncertain significance for Familial thoracic aortic aneurysm and aortic dissection. Last evaluated: 2024-07-25. Review status: criteria provided, single submitter. Criteria: Ambry Variant Classification Scheme 2023. Collection method: clinical testing. Allele origin: germline.
Comment: The p.Y155S variant (also known as c.464A>C), located in coding exon 2 of the SLC2A10 gene, results from an A to C substitution at nucleotide position 464. The tyrosine at codon 155 is replaced by serine, an amino acid with dissimilar properties. This amino acid position is well conserved in available vertebrate species. In addition, the in silico prediction for this alteration is inconclusive. Since supporting evidence is limited at this time, the clinical significance of this alteration remains unclear.

NM_030777.4(SLC2A10):c.464A>C (p.Tyr155Ser)

Gene: SLC2A10 (solute carrier family 2 member 10; plus strand). Cytogenetic location: 20q13.12.
Variant type: single nucleotide variant.
Coding change: c.464A>C on transcript NM_030777.4 (MANE Select); coding-DNA position 464, A replaced by C.
Protein change: p.Tyr155Ser; replaces tyrosine 155 with serine.
Molecular consequence: missense variant.
Genome position (GRCh38, 1-based): chr20:46,725,500, A>C. VCF-style: chr20-46725500-A-C. GRCh37 (hg19) VCF-style: chr20-45354139-A-C.
Other names: short protein forms Y155S.
Identifiers: ClinVar variation 1306926 (VCV001306926.6), dbSNP rs1015767771, ClinGen allele CA409267057.